The following is an entry in ClinVar:

ClinVar aggregate classification (germline): Uncertain significance (1 of 4 stars; one submission).

Submission:

GeneDx
Classification: Uncertain significance. Last evaluated: 2024-01-04. Review status: criteria provided, single submitter. Criteria: GeneDx Variant Classification Process June 2021. Collection method: clinical testing. Allele origin: germline. Affected: yes.
Comment: Not observed at significant frequency in large population cohorts (gnomAD); In silico analysis supports that this missense variant has a deleterious effect on protein structure/function; Has not been previously published as pathogenic or benign to our knowledge

NM_000720.4(CACNA1D):c.1177G>A (p.Gly393Ser)

Gene: CACNA1D (calcium voltage-gated channel subunit alpha1 D; plus strand). Cytogenetic location: 3p21.1.
Variant type: single nucleotide variant.
Coding change: c.1177G>A on transcript NM_000720.4 (MANE Plus Clinical); coding-DNA position 1177, G replaced by A.
Protein change: p.Gly393Ser; replaces glycine 393 with serine.
Molecular consequence: missense variant. On other transcripts: intron variant (2).
Genome position (GRCh38, 1-based): chr3:53,673,773, G>A. VCF-style: chr3-53673773-G-A. GRCh37 (hg19) VCF-style: chr3-53707800-G-A.
Other names: c.1220+647G>A (NM_001128840.3, NM_001128839.3); short protein forms G393S.
Identifiers: ClinVar variation 3367622 (VCV003367622.1).